The following is an entry in ClinVar:

NM_001393586.1(MYO7B):c.5914G>A (p.Asp1972Asn)

Gene: MYO7B (myosin VIIB; plus strand). Cytogenetic location: 2q14.3.
Variant type: single nucleotide variant.
Coding change: c.5914G>A on transcript NM_001393586.1 (MANE Select); coding-DNA position 5914, G replaced by A.
Protein change: p.Asp1972Asn; replaces aspartic acid 1972 with asparagine.
Molecular consequence: missense variant.
Genome position (GRCh38, 1-based): chr2:127,635,815, G>A. VCF-style: chr2-127635815-G-A. GRCh37 (hg19) VCF-style: chr2-128393390-G-A.
Other names: c.5836G>A, p.Asp1946Asn (NM_001080527.2); c.2395G>A, p.Asp799Asn (NM_001393594.1); short protein forms D1946N, D1972N, D799N.
Identifiers: ClinVar variation 3041266 (VCV003041266.2), dbSNP rs61748909, ClinGen allele CA1862475.

ClinVar aggregate classification (germline): Benign (0 of 4 stars; one submission).

Conditions:
MYO7B-related disorder. Also called: MYO7B-related condition.

Allele frequency attached by ClinVar (database versions not stated): 1000 Genomes Project 30x 0.00484; 1000 Genomes Project 0.00539; ESP Exome Variant Server 0.01254.
gnomAD v4.1: 28,766 of 1,589,330 alleles (1.8%); highest among the groups gnomAD compares: Non-Finnish European, 2%; 340 homozygotes.

Submission:

PreventionGenetics, part of Exact Sciences
Classification: Benign for MYO7B-related condition. Last evaluated: 2019-03-12. Review status: no assertion criteria provided. Collection method: clinical testing. Allele origin: germline.
Comment: This variant is classified as benign based on ACMG/AMP sequence variant interpretation guidelines (Richards et al. 2015 PMID: 25741868, with internal and published modifications).